The following is an entry in ClinVar:

NM_031476.4(CRISPLD2):c.1029C>A (p.Asp343Glu)

Gene: CRISPLD2 (cysteine rich secretory protein LCCL domain containing 2; plus strand). Cytogenetic location: 16q24.1.
Variant type: single nucleotide variant.
Coding change: c.1029C>A on transcript NM_031476.4 (MANE Select); coding-DNA position 1029, C replaced by A.
Protein change: p.Asp343Glu; replaces aspartic acid 343 with glutamic acid.
Molecular consequence: missense variant.
Genome position (GRCh38, 1-based): chr16:84,873,039, C>A. VCF-style: chr16-84873039-C-A. GRCh37 (hg19) VCF-style: chr16-84906645-C-A.
Other names: short protein forms D343E.
Identifiers: ClinVar variation 4980466 (VCV004980466.1).

ClinVar aggregate classification (germline): Uncertain significance (1 of 4 stars; one submission).

Conditions:
CRISPLD2-related disorder. Also called: CRISPLD2-related condition.

gnomAD v4.1: 23 of 1,613,750 alleles (0.0014%); highest among the groups gnomAD compares: Non-Finnish European, 0.0019%; no homozygotes.

Submission:

PreventionGenetics, part of Exact Sciences
Classification: Uncertain significance for CRISPLD2-related condition. Last evaluated: 2025-05-09. Review status: criteria provided, single submitter. Criteria: ACMG Guidelines, 2015. Collection method: clinical testing. Allele origin: germline.
Comment: The CRISPLD2 c.1029C>A variant is predicted to result in the amino acid substitution p.Asp343Glu. To our knowledge, this variant has not been reported in the literature. This variant is reported in 0.0035% of alleles in individuals of European (Non-Finnish) descent in gnomAD. At this time, the clinical significance of this variant is uncertain due to the absence of conclusive functional and genetic evidence.